The following is an entry in ClinVar:

ClinVar aggregate classification (germline): Uncertain significance (1 of 4 stars; one submission).

Conditions:
Charcot-Marie-Tooth disease axonal type 2C (HMSN2C). Also called: Charcot-Marie-Tooth Disease Type 2, TRPV4-Related (CMT2C); CHARCOT-MARIE-TOOTH DISEASE, AXONAL, AUTOSOMAL DOMINANT, TYPE 2C; Charcot-Marie-Tooth Neuropathy Type 2C. Identifiers: Orphanet 99937, MedGen C1853710, MONDO:0011633, OMIM 606071.

Submission:

Labcorp Genetics (formerly Invitae), Labcorp
Classification: Uncertain significance for Charcot-Marie-Tooth disease axonal type 2C. Last evaluated: 2022-12-06. Review status: criteria provided, single submitter. Criteria: Invitae Variant Classification Sherloc (09022015). Collection method: clinical testing. Allele origin: germline.
Comment: In summary, the available evidence is currently insufficient to determine the role of this variant in disease. Therefore, it has been classified as a Variant of Uncertain Significance. Advanced modeling of protein sequence and biophysical properties (such as structural, functional, and spatial information, amino acid conservation, physicochemical variation, residue mobility, and thermodynamic stability) performed at Invitae indicates that this missense variant is not expected to disrupt TRPV4 protein function. This variant has not been reported in the literature in individuals affected with TRPV4-related conditions. This variant is not present in population databases (gnomAD no frequency). This sequence change replaces glutamic acid, which is acidic and polar, with valine, which is neutral and non-polar, at codon 14 of the TRPV4 protein (p.Glu14Val).

NM_021625.5(TRPV4):c.41A>T (p.Glu14Val)

Gene: TRPV4 (transient receptor potential cation channel subfamily V member 4; minus strand). Cytogenetic location: 12q24.11.
Variant type: single nucleotide variant.
Coding change: c.41A>T on transcript NM_021625.5 (MANE Select); coding-DNA position 41, A replaced by T.
Protein change: p.Glu14Val; replaces glutamic acid 14 with valine.
Molecular consequence: missense variant.
Genome position (GRCh38, 1-based): chr12:109,814,756, T>A on the plus strand (A>T on the coding strand, the complement: TRPV4 is on the minus strand). VCF-style: chr12-109814756-T-A. GRCh37 (hg19) VCF-style: chr12-110252561-T-A.
Other names: c.41A>T, p.Glu14Val (NM_001177433.2, NM_147204.3, NM_001177428.2 and 1 more transcripts); short protein forms E14V.
Identifiers: ClinVar variation 2125461 (VCV002125461.4), dbSNP rs1891759057, ClinGen allele CA386661136.